The following is an entry in ClinVar:

NM_018723.4(RBFOX1):c.55G>A (p.Asp19Asn)

Gene: RBFOX1 (RNA binding fox-1 homolog 1; plus strand). Cytogenetic location: 16p13.3.
Variant type: single nucleotide variant.
Coding change: c.55G>A on transcript NM_018723.4 (MANE Select); coding-DNA position 55, G replaced by A.
Protein change: p.Asp19Asn; replaces aspartic acid 19 with asparagine.
Molecular consequence: missense variant.
Genome position (GRCh38, 1-based): chr16:7,518,174, G>A. VCF-style: chr16-7518174-G-A. GRCh37 (hg19) VCF-style: chr16-7568176-G-A.
Other names: c.55G>A, p.Asp19Asn (NM_001142333.2, NM_001142334.2, NM_001364800.2 and 1 more transcripts); c.184G>A, p.Asp62Asn (NM_001308117.1, NM_001411047.1, NM_001415891.1 and 5 more transcripts); c.652G>A, p.Asp218Asn (NM_001415887.1, NM_001415888.1); c.163G>A, p.Asp55Asn (NM_001415889.1, NM_001415892.1, NM_001415894.1 and 5 more transcripts); c.130G>A, p.Asp44Asn (NM_001415890.1, NM_001415893.1, NM_001415899.1 and 4 more transcripts); c.115G>A, p.Asp39Asn (NM_001415896.1, NM_001415904.1, NM_001415906.1 and 4 more transcripts); c.61G>A, p.Asp21Asn (NM_001415902.1, NM_001415911.1, NM_001415917.1); short protein forms D21N, D44N, D55N, D62N, D218N, D39N, D19N.
Identifiers: ClinVar variation 2041189 (VCV002041189.4), dbSNP rs768759230, ClinGen allele CA7891300.
Genomic context (GRCh38, chr16:7,518,174, plus strand): 5'-TCTCTCCCTCTCTGCACCTTTTTGATTTTTCAGGGTAATCAGGAAGCAGCCGCTGCCCCT[G>A]ACACAATGGCTCAGCCTTACGCTTCGGCCCAGTTTGCTCCCCCGCAGAACGGTATCCCCG-3'
Protein context (NP_061193.2, residues 9-29): RGNQEAAAAP[Asp19Asn]TMAQPYASAQ

ClinVar aggregate classification (germline): Uncertain significance (1 of 4 stars; one submission).

Conditions:
Idiopathic generalized epilepsy. Also called: EIG; Generalised epilepsy. Identifiers: MedGen C0270850, MONDO:0005579, OMIM 600669.

Allele frequency attached by ClinVar (database versions not stated): ExAC 0.00002; gnomAD exomes 0.00006; gnomAD 0.00001; TOPMed 0.00004.
gnomAD v4.1: 84 of 1,613,384 alleles (0.0052%); highest among the groups gnomAD compares: Non-Finnish European, 0.0069%; no homozygotes.

Submission:

Labcorp Genetics (formerly Invitae), Labcorp
Classification: Uncertain significance for Idiopathic generalized epilepsy. Last evaluated: 2023-11-08. Review status: criteria provided, single submitter. Criteria: Invitae Variant Classification Sherloc (09022015). Collection method: clinical testing. Allele origin: germline.
Comment: This sequence change replaces aspartic acid, which is acidic and polar, with asparagine, which is neutral and polar, at codon 39 of the RBFOX1 protein (p.Asp39Asn). This variant is present in population databases (rs768759230, gnomAD 0.003%). This variant has not been reported in the literature in individuals affected with RBFOX1-related conditions. ClinVar contains an entry for this variant (Variation ID: 2041189). Advanced modeling of protein sequence and biophysical properties (such as structural, functional, and spatial information, amino acid conservation, physicochemical variation, residue mobility, and thermodynamic stability) performed at Invitae indicates that this missense variant is not expected to disrupt RBFOX1 protein function with a negative predictive value of 80%. In summary, the available evidence is currently insufficient to determine the role of this variant in disease. Therefore, it has been classified as a Variant of Uncertain Significance.